The following is an entry in ClinVar:

ClinVar aggregate classification (germline): Benign. Review status: criteria provided, multiple submitters, no conflicts (2 of 4 stars). 2 submissions from 2 submitters: Benign (2). Last evaluated 2017-04-27.

Conditions:
Holoprosencephaly 9 (HPE9). Also called: PITUITARY ANOMALIES WITH HOLOPROSENCEPHALY-LIKE FEATURES; HOLOPROSENCEPHALY WITH MICROPHTHALMIA AND FIRST BRANCHIAL ARCH ANOMALIES. Identifiers: Orphanet 2162, MedGen C1835819, MONDO:0012563, OMIM 610829.

Allele frequency attached by ClinVar (database versions not stated): 1000 Genomes Project 0.50779; TOPMed 0.59235; 1000 Genomes Project 30x 0.51046; gnomAD 0.60767; gnomAD exomes 0.69872.
gnomAD v4.1: 92,514 of 152,546 alleles (61%); highest among the groups gnomAD compares: Non-Finnish European, 73%; 29,689 homozygotes.

Submissions (2):

Illumina Laboratory Services, Illumina
Classification: Benign for Holoprosencephaly 9. Last evaluated: 2017-04-27. Review status: criteria provided, single submitter. Criteria: ICSL Variant Classification Criteria 13 December 2019. Collection method: clinical testing. Allele origin: germline.
Comment: This variant was observed as part of a predisposition screen in an ostensibly healthy population. A literature search was performed for the gene, cDNA change, and amino acid change (where applicable). No publications were found based on this search. Allele frequency data from public databases was too high to be consistent with this variant causing disease. Therefore, this variant is classified as benign.

Breakthrough Genomics
Classification: Benign. Review status: criteria provided, single submitter. Criteria: ACMG Guidelines, 2015. Collection method: not provided. Allele origin: germline. Inheritance: Autosomal dominant inheritance. Affected: yes.

NM_001374353.1(GLI2):c.*816G>C

Gene: GLI2 (GLI family zinc finger 2; plus strand). Cytogenetic location: 2q14.2.
Variant type: single nucleotide variant.
Coding change: c.*816G>C on transcript NM_001374353.1 (MANE Select); 816 bases downstream of the stop codon, G replaced by C.
Molecular consequence: 3 prime UTR variant.
Genome position (GRCh38, 1-based): chr2:120,991,491, G>C. VCF-style: chr2-120991491-G-C. GRCh37 (hg19) VCF-style: chr2-121749067-G-C.
Other names: c.*816G>C (NM_001371271.1, NM_001374354.1, NM_005270.5).
Identifiers: ClinVar variation 331006 (VCV000331006.6), dbSNP rs2278741, ClinGen allele CA10611106.